The following is an entry in ClinVar:

ClinVar aggregate classification (germline): Benign/Likely benign. Review status: criteria provided, multiple submitters, no conflicts (2 of 4 stars). 6 submissions from 5 submitters: Benign (1); Likely benign (4). 1 of the submissions does not count toward it. Last evaluated 2025-12-03.

Conditions:
NOTCH1-related disorder. Also called: NOTCH1-related condition; NOTCH1-related disorders.
Adams-Oliver syndrome 5 (AOS5). Identifiers: Orphanet 974, MedGen C4014970, MONDO:0014459, OMIM 616028.
Aortic valve disease 1 (AOVD1). Identifiers: MedGen C3887892, MONDO:0024523, OMIM 109730.

Allele frequency attached by ClinVar (database versions not stated): ExAC 0.00008; TOPMed 0.00013; gnomAD exomes 0.00015; ESP Exome Variant Server 0.00024.
gnomAD v4.1: 242 of 1,613,300 alleles (0.015%); highest among the groups gnomAD compares: Middle Eastern, 0.016%; no homozygotes.

Submissions (6):

Labcorp Genetics (formerly Invitae), Labcorp
Classification: Likely benign for Adams-Oliver syndrome 5. Last evaluated: 2025-12-03. Review status: criteria provided, single submitter. Criteria: Invitae Variant Classification Sherloc (09022015). Collection method: clinical testing. Allele origin: germline.

Women's Health and Genetics/Laboratory Corporation of America, LabCorp
Classification: Benign. Last evaluated: 2025-05-09. Review status: criteria provided, single submitter. Criteria: LabCorp Variant Classification Summary - May 2015. Collection method: clinical testing. Allele origin: germline.

Genome-Nilou Lab
Classification: Likely benign for Adams-Oliver syndrome 5. Last evaluated: 2022-03-15. Review status: criteria provided, single submitter. Criteria: ACMG Guidelines, 2015. Collection method: clinical testing. Allele origin: germline. Affected: no.

Genome-Nilou Lab
Classification: Likely benign for Aortic valve disease 1. Last evaluated: 2022-03-15. Review status: criteria provided, single submitter. Criteria: ACMG Guidelines, 2015. Collection method: clinical testing. Allele origin: germline. Affected: no.

GeneDx
Classification: Likely benign. Last evaluated: 2017-12-14. Review status: criteria provided, single submitter. Criteria: GeneDx Variant Classification (06012015). Collection method: clinical testing. Allele origin: germline. Affected: yes.
Comment: This variant is considered likely benign or benign based on one or more of the following criteria: it is a conservative change, it occurs at a poorly conserved position in the protein, it is predicted to be benign by multiple in silico algorithms, and/or has population frequency not consistent with disease.

PreventionGenetics, part of Exact Sciences
Classification: Likely benign for NOTCH1-related condition. Last evaluated: 2021-12-21. Review status: no assertion criteria provided. Collection method: clinical testing. Allele origin: germline. Not counted in ClinVar's aggregate classification.
Comment: This variant is classified as likely benign based on ACMG/AMP sequence variant interpretation guidelines (Richards et al. 2015 PMID: 25741868, with internal and published modifications).

NM_017617.5(NOTCH1):c.6180+9G>A

Genes: NOTCH1 (notch receptor 1; minus strand), LOC126860794 (BRD4-independent group 4 enhancer GRCh37_chr9:139392592-139393791; plus strand). Cytogenetic location: 9q34.3.
Variant type: single nucleotide variant.
Coding change: c.6180+9G>A on transcript NM_017617.5 (MANE Select); 9 bases into the intron after coding-DNA position 6180, G replaced by A.
Molecular consequence: intron variant.
Genome position (GRCh38, 1-based): chr9:136,498,890, C>T on the plus strand (G>A on the coding strand, the complement: NOTCH1 is on the minus strand). VCF-style: chr9-136498890-C-T. GRCh37 (hg19) VCF-style: chr9-139393342-C-T.
Other names: c.6180+9G>A (LRG_1122t1, NM_017617.4).
Identifiers: ClinVar variation 514089 (VCV000514089.16), dbSNP rs200371378, ClinGen allele CA5339999.